The following is an entry in ClinVar:

NM_001378452.1(ITPR1):c.4681C>A (p.Pro1561Thr)

Genes: BRRIAR (BHLHE40 and RIG-I regulating ITPR1 antisense RNA; minus strand), ITPR1 (inositol 1,4,5-trisphosphate receptor type 1; plus strand). Cytogenetic location: 3p26.1.
Variant type: single nucleotide variant.
Coding change: c.4681C>A on transcript NM_001378452.1 (MANE Select); coding-DNA position 4681, C replaced by A.
Protein change: p.Pro1561Thr; replaces proline 1561 with threonine.
Molecular consequence: missense variant.
Genome position (GRCh38, 1-based): chr3:4,706,190, C>A. VCF-style: chr3-4706190-C-A. GRCh37 (hg19) VCF-style: chr3-4747874-C-A.
Other names: c.4654C>A, p.Pro1552Thr (NM_001099952.4); c.4636C>A, p.Pro1546Thr (NM_001168272.2); c.4609C>A, p.Pro1537Thr (NM_002222.7); short protein forms P1537T, P1546T, P1552T, P1561T.
Identifiers: ClinVar variation 2504240 (VCV002504240.1), dbSNP rs2469865061, ClinGen allele CA351634807.

ClinVar aggregate classification (germline): Uncertain significance (1 of 4 stars; one submission).

Submission:

GeneDx
Classification: Uncertain significance. Last evaluated: 2022-12-04. Review status: criteria provided, single submitter. Criteria: GeneDx Variant Classification Process June 2021. Collection method: clinical testing. Allele origin: germline. Affected: yes.
Comment: Not observed at significant frequency in large population cohorts (gnomAD); In silico analysis supports that this missense variant has a deleterious effect on protein structure/function; Has not been previously published as pathogenic or benign to our knowledge